The following is an entry in ClinVar:

NM_001366385.1(CARD14):c.1979G>T (p.Gly660Val)

Genes: CARD14 (caspase recruitment domain family member 14; plus strand), SGSH (N-sulfoglucosamine sulfohydrolase; minus strand). Cytogenetic location: 17q25.3.
Variant type: single nucleotide variant.
Coding change: c.1979G>T on transcript NM_001366385.1 (MANE Select); coding-DNA position 1979, G replaced by T.
Protein change: p.Gly660Val; replaces glycine 660 with valine.
Molecular consequence: missense variant. On other transcripts: non-coding transcript variant (1).
Genome position (GRCh38, 1-based): chr17:80,202,180, G>T. VCF-style: chr17-80202180-G-T. GRCh37 (hg19) VCF-style: chr17-78175979-G-T.
Other names: c.1979G>T, p.Gly660Val (NM_001257970.1, NM_024110.4); short protein forms G660V.
Identifiers: ClinVar variation 642839 (VCV000642839.9), dbSNP rs1238031435, ClinGen allele CA401353144.

ClinVar aggregate classification (germline): Uncertain significance (1 of 4 stars; one submission).

Conditions:
Pityriasis rubra pilaris (PRP). Also called: Pityriasis rubra pilaris--familial type. Identifiers: Orphanet 2897, MedGen C0032027, MONDO:0100017, OMIM 173200, MONDO:0008251.
Psoriasis 2. Identifiers: MedGen C1864497, MONDO:0011269, OMIM 602723.

Submission:

Labcorp Genetics (formerly Invitae), Labcorp
Classification: Uncertain significance for Pityriasis rubra pilaris; Psoriasis 2. Last evaluated: 2024-07-12. Review status: criteria provided, single submitter. Criteria: Invitae Variant Classification Sherloc (09022015). Collection method: clinical testing. Allele origin: germline.
Comment: This sequence change replaces glycine, which is neutral and non-polar, with valine, which is neutral and non-polar, at codon 660 of the CARD14 protein (p.Gly660Val). This variant is not present in population databases (gnomAD no frequency). This variant has not been reported in the literature in individuals affected with CARD14-related conditions. ClinVar contains an entry for this variant (Variation ID: 642839). An algorithm developed to predict the effect of missense changes on protein structure and function (PolyPhen-2) suggests that this variant is likely to be disruptive. In summary, the available evidence is currently insufficient to determine the role of this variant in disease. Therefore, it has been classified as a Variant of Uncertain Significance.